The following is an entry in ClinVar:

NM_000540.3(RYR1):c.13242C>G (p.Asp4414Glu)

Gene: RYR1 (ryanodine receptor 1; plus strand). Cytogenetic location: 19q13.2.
Variant type: single nucleotide variant.
Coding change: c.13242C>G on transcript NM_000540.3 (MANE Select); coding-DNA position 13242, C replaced by G.
Protein change: p.Asp4414Glu; replaces aspartic acid 4414 with glutamic acid.
Molecular consequence: missense variant.
Genome position (GRCh38, 1-based): chr19:38,565,576, C>G. VCF-style: chr19-38565576-C-G. GRCh37 (hg19) VCF-style: chr19-39056216-C-G.
Other names: c.13227C>G, p.Asp4409Glu (NM_001042723.2); short protein forms D4414E, D4409E.
Identifiers: ClinVar variation 567660 (VCV000567660.11), dbSNP rs994374423, ClinGen allele CA308109596.
Genomic context (GRCh38, chr19:38,565,576, plus strand): 5'-GCAGCCGGCCGGGCCGGGCGGAGACGCAGACGGCGAGGGTGCCAGCGAGGGCGCTGGAGA[C>G]GCCGCGGAGGGCGCTGGAGACGAGGAGGAGGCGGTGCACGAGGCCGGGCCGGGCGGTGCC-3'
Protein context (NP_000531.2, residues 4404-4424): DGEGASEGAG[Asp4414Glu]AAEGAGDEEE

ClinVar aggregate classification (germline): Uncertain significance. Review status: criteria provided, multiple submitters, no conflicts (2 of 4 stars). 4 submissions from 4 submitters: Uncertain significance (4). Last evaluated 2025-12-16.

Conditions:
Inborn genetic diseases. Identifiers: MedGen C0950123, MeSH D030342.
Central core myopathy (CMYO1A). Also called: CONGENITAL MYOPATHY 1A, AUTOSOMAL DOMINANT, WITH SUSCEPTIBILITY TO MALIGNANT HYPERTHERMIA; Central core disease; Myopathy, central fibrillar. Identifiers: Orphanet 597, MedGen C5830701, MONDO:0007294, OMIM 117000.
Congenital multicore myopathy with external ophthalmoplegia (CMYO1B). Also called: Congenital myopathy 1B, autosomal recessive; Minicore myopathy; MULTIMINICORE DISEASE WITH EXTERNAL OPHTHALMOPLEGIA; MULTICORE MYOPATHY; Minicore myopathy with external ophthalmoplegia. Identifiers: Orphanet 598, Orphanet 98905, MedGen C1850674, MONDO:0009712, OMIM 255320, HP:0003789.
King Denborough syndrome (KDS). Identifiers: MedGen C1840365, MONDO:0020485, OMIM 619542.
RYR1-related disorder. Also called: RYR1-related condition; RYR1-related disorders. Identifiers: MedGen CN239331.

Allele frequency attached by ClinVar (database versions not stated): gnomAD exomes 0.00001; gnomAD 0.00003 and 0.00004; TOPMed 0.00003.
gnomAD v4.1: 12 of 1,472,026 alleles (0.00082%); highest among the groups gnomAD compares: African/African-American, 0.018%; no homozygotes.

Submissions (4):

Ambry Genetics
Classification: Uncertain significance for Inborn genetic diseases. Last evaluated: 2025-12-16. Review status: criteria provided, single submitter. Criteria: Ambry Variant Classification Scheme 2023. Collection method: clinical testing. Allele origin: germline.

Labcorp Genetics (formerly Invitae), Labcorp
Classification: Uncertain significance for RYR1-related disorder. Last evaluated: 2025-08-04. Review status: criteria provided, single submitter. Criteria: Invitae Variant Classification Sherloc (09022015). Collection method: clinical testing. Allele origin: germline.
Comment: This sequence change replaces aspartic acid, which is acidic and polar, with glutamic acid, which is acidic and polar, at codon 4414 of the RYR1 protein (p.Asp4414Glu). This variant is present in population databases (no rsID available, gnomAD 0.01%). This missense change has been observed in individual(s) with clinical features of malignant hyperthermia (internal data). ClinVar contains an entry for this variant (Variation ID: 567660). Invitae Evidence Modeling of protein sequence and biophysical properties (such as structural, functional, and spatial information, amino acid conservation, physicochemical variation, residue mobility, and thermodynamic stability) indicates that this missense variant is not expected to disrupt RYR1 protein function with a negative predictive value of 95%. In summary, the available evidence is currently insufficient to determine the role of this variant in disease. Therefore, it has been classified as a Variant of Uncertain Significance.

Revvity Omics, Revvity
Classification: Uncertain significance. Last evaluated: 2023-01-26. Review status: criteria provided, single submitter. Criteria: ACMG Guidelines, 2015. Collection method: clinical testing. Allele origin: germline.

New York Genome Center
Classification: Uncertain significance for Central core myopathy; Congenital multicore myopathy with external ophthalmoplegia; King Denborough syndrome. Last evaluated: 2021-06-30. Review status: criteria provided, single submitter. Criteria: NYGC Assertion Criteria 2020. Collection method: clinical testing. Allele origin: germline. Observed: 1 heterozygote. Study: CSER-NYCKidSeq.